The following is an entry in ClinVar:

NM_000264.5(PTCH1):c.2980G>A (p.Val994Ile)

Gene: PTCH1 (patched 1; minus strand). Cytogenetic location: 9q22.32.
Variant type: single nucleotide variant.
Coding change: c.2980G>A on transcript NM_000264.5 (MANE Select); coding-DNA position 2980, G replaced by A.
Protein change: p.Val994Ile; replaces valine 994 with isoleucine.
Molecular consequence: missense variant. On other transcripts: non-coding transcript variant (1).
Genome position (GRCh38, 1-based): chr9:95,458,201, C>T on the plus strand (G>A on the coding strand, the complement: PTCH1 is on the minus strand). VCF-style: chr9-95458201-C-T. GRCh37 (hg19) VCF-style: chr9-98220483-C-T.
Other names: c.2782G>A, p.Val928Ile (NM_001083602.3); c.2977G>A, p.Val993Ile (NM_001083603.3); c.2527G>A, p.Val843Ile (NM_001083604.3, NM_001083605.3, NM_001083606.3 and 1 more transcripts); c.2824G>A, p.Val942Ile (NM_001354918.2); short protein forms V928I, V993I, V994I, V843I, V942I.
Identifiers: ClinVar variation 641176 (VCV000641176.2), dbSNP rs1588540545, ClinGen allele CA374112651.

ClinVar aggregate classification (germline): Uncertain significance (1 of 4 stars; one submission).

Conditions:
Gorlin syndrome. Also called: Basal cell nevus syndrome; Nevoid Basal Cell Carcinoma Syndrome. Identifiers: Orphanet 377, MedGen C0004779, MONDO:0007187.

Allele frequency attached by ClinVar (database versions not stated): gnomAD exomes below 0.00001.
gnomAD v4.1: 3 of 1,614,142 alleles (0.00019%); highest among the groups gnomAD compares: South Asian, 0.0011%; no homozygotes.

Submission:

Labcorp Genetics (formerly Invitae), Labcorp
Classification: Uncertain significance for Gorlin syndrome. Last evaluated: 2025-12-31. Review status: criteria provided, single submitter. Criteria: Invitae Variant Classification Sherloc (09022015). Collection method: clinical testing. Allele origin: germline.
Comment: This sequence change replaces valine, which is neutral and non-polar, with isoleucine, which is neutral and non-polar, at codon 994 of the PTCH1 protein (p.Val994Ile). This variant is not present in population databases (gnomAD no frequency). This variant has not been reported in the literature in individuals affected with PTCH1-related conditions. ClinVar contains an entry for this variant (Variation ID: 641176). Invitae Evidence Modeling of protein sequence and biophysical properties (such as structural, functional, and spatial information, amino acid conservation, physicochemical variation, residue mobility, and thermodynamic stability) indicates that this missense variant is not expected to disrupt PTCH1 protein function with a negative predictive value of 95%. In summary, the available evidence is currently insufficient to determine the role of this variant in disease. Therefore, it has been classified as a Variant of Uncertain Significance.